The following is an entry in ClinVar:

ClinVar aggregate classification (germline): Conflicting classifications of pathogenicity. Review status: criteria provided, conflicting classifications (1 of 4 stars). 4 submissions from 4 submitters: Uncertain significance (1); Likely benign (2). 1 of the submissions does not count toward it. Last evaluated 2025-06-01.

Conditions:
UNC79-related disorder. Also called: UNC79-related condition.
Prostate cancer. Also called: Malignant tumor of prostate. Identifiers: Orphanet 1331, MedGen C0376358, MONDO:0008315, HP:0012125.

Allele frequency attached by ClinVar (database versions not stated): gnomAD exomes 0.00008 and 0.00020; ExAC 0.00023; 1000 Genomes Project 0.00060; 1000 Genomes Project 30x 0.00062; ESP Exome Variant Server 0.00062; gnomAD 0.00074 and 0.00084; TOPMed 0.00082.
gnomAD v4.1: 237 of 1,613,956 alleles (0.015%); highest among the groups gnomAD compares: African/African-American, 0.22%; no homozygotes.

Submissions (4):

CeGaT Center for Human Genetics Tuebingen
Classification: Likely benign. Last evaluated: 2025-06-01. Review status: criteria provided, single submitter. Criteria: CeGaT Center For Human Genetics Tuebingen Variant Classification Criteria Version 2. Collection method: clinical testing. Allele origin: germline. Affected: yes. Observed: 1 variant allele.
Comment: UNC79: BP4, BS1

PreventionGenetics, part of Exact Sciences
Classification: Likely benign for UNC79-related condition. Last evaluated: 2025-02-03. Review status: criteria provided, single submitter. Criteria: ACMG Guidelines, 2015. Collection method: clinical testing. Allele origin: germline.
Comment: This variant is classified as likely benign based on ACMG/AMP sequence variant interpretation guidelines (Richards et al. 2015 PMID: 25741868, with internal and published modifications).

GeneDx
Classification: Uncertain significance. Last evaluated: 2023-12-15. Review status: criteria provided, single submitter. Criteria: GeneDx Variant Classification Process June 2021. Collection method: clinical testing. Allele origin: germline. Affected: yes.
Comment: Has not been previously published as pathogenic or benign to our knowledge; In silico analysis supports that this missense variant has a deleterious effect on protein structure/function

Science for Life laboratory,  Karolinska Institutet
Classification: Uncertain significance for Malignant tumor of prostate. Review status: no assertion criteria provided. Collection method: not provided. Allele origin: somatic. Not counted in ClinVar's aggregate classification.
Comment: TumorID:SWE-14
ClinVar note: Converted during submission from Unknown to Uncertain significance.

NM_001395159.1(UNC79):c.4394C>T (p.Thr1465Met)

Gene: UNC79 (unc-79 subunit of NALCN channel complex; plus strand). Cytogenetic location: 14q32.12.
Variant type: single nucleotide variant.
Coding change: c.4394C>T on transcript NM_001395159.1 (MANE Select); coding-DNA position 4394, C replaced by T.
Protein change: p.Thr1465Met; replaces threonine 1465 with methionine.
Molecular consequence: missense variant.
Genome position (GRCh38, 1-based): chr14:93,618,295, C>T. VCF-style: chr14-93618295-C-T. GRCh37 (hg19) VCF-style: chr14-94084641-C-T.
Other names: c.4328C>T (NM_001346218.1); c.4328C>T, p.Thr1443Met (NM_001346218.2); c.3797C>T, p.Thr1266Met (NM_020818.5); short protein forms T1266M, T1443M, T1465M.
Identifiers: ClinVar variation 161738 (VCV000161738.13), dbSNP rs34816083, ClinGen allele CA174696.